The following is an entry in ClinVar:

NM_017635.5(KMT5B):c.142G>A (p.Glu48Lys)

Gene: KMT5B (lysine methyltransferase 5B; minus strand). Cytogenetic location: 11q13.2.
Variant type: single nucleotide variant.
Coding change: c.142G>A on transcript NM_017635.5 (MANE Select); coding-DNA position 142, G replaced by A.
Protein change: p.Glu48Lys; replaces glutamic acid 48 with lysine.
Molecular consequence: missense variant. On other transcripts: 5 prime UTR variant (8), non-coding transcript variant (3), intron variant (2).
Genome position (GRCh38, 1-based): chr11:68,189,935, C>T on the plus strand (G>A on the coding strand, the complement: KMT5B is on the minus strand). VCF-style: chr11-68189935-C-T. GRCh37 (hg19) VCF-style: chr11-67957402-C-T.
Other names: c.-443G>A (NM_001300907.1); c.-526G>A (NM_001300908.2); c.142G>A, p.Glu48Lys (NM_001300909.2, NM_001363566.2, NM_001369426.1 and 2 more transcripts); c.-522G>A (NM_001369424.1, NM_001369431.1, NM_001369432.1); c.-736G>A (NM_001369428.1); c.-227G>A (NM_001369429.1); c.-1037G>A (NM_001369433.1); c.-434-4007G>A (NM_001369430.1); and 1 more; short protein forms E48K.
Identifiers: ClinVar variation 986259 (VCV000986259.4), dbSNP rs1256875734, ClinGen allele CA381609727.

ClinVar aggregate classification (germline): Uncertain significance (1 of 4 stars; one submission).

Conditions:
Inborn genetic diseases. Identifiers: MedGen C0950123, MeSH D030342.

Allele frequency attached by ClinVar (database versions not stated): gnomAD exomes below 0.00001.
gnomAD v4.1: 3 of 1,614,030 alleles (0.00019%); highest among the groups gnomAD compares: Non-Finnish European, 0.00025%; no homozygotes.

Submission:

Ambry Genetics
Classification: Uncertain significance for Inborn genetic diseases. Last evaluated: 2024-01-03. Review status: criteria provided, single submitter. Criteria: Ambry Variant Classification Scheme 2023. Collection method: clinical testing. Allele origin: germline.
Comment: The c.142G>A (p.E48K) alteration is located in exon 2 (coding exon 1) of the KMT5B gene. This alteration results from a G to A substitution at nucleotide position 142, causing the glutamic acid (E) at amino acid position 48 to be replaced by a lysine (K). This variant was not reported in population-based cohorts in the Genome Aggregation Database (gnomAD). This amino acid position is well conserved in available vertebrate species. This missense alteration is located in a region that has a low rate of benign missense variation (Lek, 2016; Firth, 2009). This alteration is predicted to be tolerated by in silico analysis. Based on insufficient or conflicting evidence, the clinical significance of this alteration remains unclear.